The following is an entry in ClinVar:

NM_000127.3(EXT1):c.1723-1G>C

Gene: EXT1 (exostosin glycosyltransferase 1; minus strand). Cytogenetic location: 8q24.11.
Variant type: single nucleotide variant.
Coding change: c.1723-1G>C on transcript NM_000127.3 (MANE Select); the canonical splice acceptor site of the intron before coding-DNA position 1723, G replaced by C.
Molecular consequence: splice acceptor variant.
Genome position (GRCh38, 1-based): chr8:117,807,378, C>G on the plus strand (G>C on the coding strand, the complement: EXT1 is on the minus strand). VCF-style: chr8-117807378-C-G. GRCh37 (hg19) VCF-style: chr8-118819617-C-G.
Identifiers: ClinVar variation 4888016 (VCV004888016.2).

ClinVar aggregate classification (germline): Pathogenic. Review status: criteria provided, multiple submitters, no conflicts (2 of 4 stars). 2 submissions from 2 submitters: Pathogenic (2). Last evaluated 2026-03-03.

Conditions:
EXT1-related disorders.

Submissions (2):

GeneDx
Classification: Pathogenic. Last evaluated: 2026-03-03. Review status: criteria provided, single submitter. Criteria: GeneDx Variant Classification Process June 2021. Collection method: clinical testing. Allele origin: germline.
Comment: Canonical splice site variant predicted to result in a null allele in a gene for which loss of function is a known mechanism of disease; RT-PCR studies support skipping of exon 9 and an out of frame protein product (PMID: 15985493); Not observed at significant frequency in large population cohorts (gnomAD); This variant is associated with the following publications: (PMID: 15985493)

Blueprint Genetics
Classification: Pathogenic for EXT1-related disorders. Last evaluated: 2022-07-21. Review status: criteria provided, single submitter. Criteria: ACMG Guidelines, 2015. Collection method: clinical testing. Allele origin: germline. Affected: yes. Observed: 1 variant allele.